The following is an entry in ClinVar:

NM_033163.5(FGF8):c.77C>G (p.Pro26Arg)

Gene: FGF8 (fibroblast growth factor 8; minus strand). Cytogenetic location: 10q24.32.
Variant type: single nucleotide variant.
Coding change: c.77C>G on transcript NM_033163.5 (MANE Select); coding-DNA position 77, C replaced by G.
Protein change: p.Pro26Arg; replaces proline 26 with arginine.
Molecular consequence: missense variant. On other transcripts: intron variant (3).
Genome position (GRCh38, 1-based): chr10:101,775,209, G>C on the plus strand (C>G on the coding strand, the complement: FGF8 is on the minus strand). VCF-style: chr10-101775209-G-C. GRCh37 (hg19) VCF-style: chr10-103534966-G-C.
Other names: c.77C>G, p.Pro26Arg (NM_033164.4); c.-123-330C>G (NM_001206389.2); c.70-330C>G (NM_033165.5); c.70-297C>G (NM_006119.6); short protein forms P26R.
Identifiers: ClinVar variation 1722901 (VCV001722901.2), dbSNP rs137852660, ClinGen allele CA377838462.

ClinVar aggregate classification (germline): Uncertain significance (1 of 4 stars; one submission).

Submission:

GeneDx
Classification: Uncertain significance. Last evaluated: 2022-05-04. Review status: criteria provided, single submitter. Criteria: GeneDx Variant Classification Process June 2021. Collection method: clinical testing. Allele origin: germline. Affected: yes.
Comment: Not observed at significant frequency in large population cohorts (gnomAD); In silico analysis supports that this missense variant does not alter protein structure/function; Has not been previously published as pathogenic or benign to our knowledge